The following is an entry in ClinVar:

ClinVar aggregate classification (germline): Uncertain significance. Review status: criteria provided, multiple submitters, no conflicts (2 of 4 stars). 3 submissions from 3 submitters: Uncertain significance (3). Last evaluated 2024-10-28.

Allele frequency attached by ClinVar (database versions not stated): TOPMed below 0.00001; gnomAD exomes 0.00001.
gnomAD v4.1: 5 of 1,614,186 alleles (0.00031%); highest among the groups gnomAD compares: Admixed American, 0.0017%; no homozygotes.

Submissions (3):

Ambry Genetics
Classification: Uncertain significance. Last evaluated: 2024-10-28. Review status: criteria provided, single submitter. Criteria: Ambry Variant Classification Scheme 2023. Collection method: clinical testing. Allele origin: germline.

Blueprint Genetics
Classification: Uncertain significance. Last evaluated: 2024-06-03. Review status: criteria provided, single submitter. Criteria: ACMG Guidelines, 2015. Collection method: clinical testing. Allele origin: germline.

Labcorp Genetics (formerly Invitae), Labcorp
Classification: Uncertain significance. Last evaluated: 2022-07-20. Review status: criteria provided, single submitter. Criteria: Invitae Variant Classification Sherloc (09022015). Collection method: clinical testing. Allele origin: germline.
Comment: In summary, the available evidence is currently insufficient to determine the role of this variant in disease. Therefore, it has been classified as a Variant of Uncertain Significance. Algorithms developed to predict the effect of missense changes on protein structure and function are either unavailable or do not agree on the potential impact of this missense change (SIFT: "Not Available"; PolyPhen-2: "Benign"; Align-GVGD: "Not Available"). This variant has not been reported in the literature in individuals affected with CEP250-related conditions. This variant is present in population databases (no rsID available, gnomAD 0.003%). This sequence change replaces asparagine, which is neutral and polar, with aspartic acid, which is acidic and polar, at codon 1392 of the CEP250 protein (p.Asn1392Asp).

NM_007186.6(CEP250):c.4174A>G (p.Asn1392Asp)

Gene: CEP250 (centrosomal protein 250; plus strand). Cytogenetic location: 20q11.22.
Variant type: single nucleotide variant.
Coding change: c.4174A>G on transcript NM_007186.6 (MANE Select); coding-DNA position 4174, A replaced by G.
Protein change: p.Asn1392Asp; replaces asparagine 1392 with aspartic acid.
Molecular consequence: missense variant.
Genome position (GRCh38, 1-based): chr20:35,502,543, A>G. VCF-style: chr20-35502543-A-G. GRCh37 (hg19) VCF-style: chr20-34090371-A-G.
Other names: c.2278A>G, p.Asn760Asp (NM_001318219.1); c.4174A>G (NM_007186.3); short protein forms N760D, N1392D.
Identifiers: ClinVar variation 1937887 (VCV001937887.5), dbSNP rs1407640532, ClinGen allele CA408747535.